The following is an entry in ClinVar:

NM_002458.3(MUC5B):c.10845C>T (p.Leu3615=)

Genes: MUC5B (mucin 5B, oligomeric mucus/gel-forming; plus strand), MUC5B-AS1 (MUC5B antisense RNA 1; minus strand). Cytogenetic location: 11p15.5.
Variant type: single nucleotide variant.
Coding change: c.10845C>T on transcript NM_002458.3 (MANE Select); coding-DNA position 10845, C replaced by T.
Protein change: p.Leu3615=; no amino-acid change (leucine 3615 retained).
Molecular consequence: synonymous variant.
Genome position (GRCh38, 1-based): chr11:1,247,725, C>T. VCF-style: chr11-1247725-C-T. GRCh37 (hg19) VCF-style: chr11-1268955-C-T.
Identifiers: ClinVar variation 403166 (VCV000403166.8), dbSNP rs2943523, ClinGen allele CA5807470.

ClinVar aggregate classification (germline): Benign. Review status: criteria provided, multiple submitters, no conflicts (2 of 4 stars). 3 submissions from 3 submitters: Benign (3). Last evaluated 2021-06-09.

Allele frequency attached by ClinVar (database versions not stated): 1000 Genomes Project 30x 0.11540; TOPMed 0.11807; 1000 Genomes Project 0.12939; ESP Exome Variant Server 0.13267; gnomAD 0.13294 and 0.13875; gnomAD exomes 0.13783; ExAC 0.16736.
gnomAD v4.1: 217,689 of 1,588,130 alleles (14%); highest among the groups gnomAD compares: Admixed American, 26%; 23,127 homozygotes.

Submissions (3):

GeneDx
Classification: Benign. Last evaluated: 2021-06-09. Review status: criteria provided, single submitter. Criteria: GeneDx Variant Classification Process June 2021. Collection method: clinical testing. Allele origin: germline. Affected: yes.

Laboratory for Molecular Medicine, Mass General Brigham Personalized Medicine
Classification: Benign. Last evaluated: 2016-03-28. Review status: criteria provided, single submitter. Criteria: LMM Criteria. Collection method: clinical testing. Allele origin: germline.
Comment: Variant identified in a genome or exome case(s) and assessed due to predicted null impact of the variant or pathogenic assertions in the literature or databases. Disclaimer: This variant has not undergone full assessment. The following are preliminary notes: Frequency

Breakthrough Genomics
Classification: Benign. Review status: criteria provided, single submitter. Criteria: ACMG Guidelines, 2015. Collection method: not provided. Allele origin: germline. Inheritance: Autosomal dominant inheritance. Affected: yes.